The following is an entry in ClinVar:

ClinVar aggregate classification (germline): Conflicting classifications of pathogenicity. Review status: criteria provided, conflicting classifications (1 of 4 stars). 9 submissions from 5 submitters: Uncertain significance (5); Likely benign (4). Last evaluated 2026-01-22.

Conditions:
Dilated cardiomyopathy 1G (CMD1G). Identifiers: Orphanet 154, MedGen C1858763, MONDO:0011400, OMIM 604145.
Cardiovascular phenotype. Identifiers: MedGen CN230736.
Early-onset myopathy with fatal cardiomyopathy (CMYO5). Also called: Salih Myopathy; CONGENITAL MYOPATHY 5 WITH CARDIOMYOPATHY. Identifiers: Orphanet 289377, MedGen C2673677, MONDO:0012714, OMIM 611705. Disease mechanism: loss of function.
Tibial muscular dystrophy (TMD). Also called: UDD MYOPATHY; Tibial muscular dystrophy, tardive; Udd Distal Myopathy – Tibial Muscular Dystrophy. Identifiers: Orphanet 609, MedGen C1838244, MONDO:0010870, OMIM 600334.
Autosomal recessive limb-girdle muscular dystrophy type 2J (LGMDR10). Also called: Limb-girdle muscular dystrophy, type 2J; MUSCULAR DYSTROPHY, LIMB-GIRDLE, AUTOSOMAL RECESSIVE 10. Identifiers: Orphanet 140922, MedGen C1837342, MONDO:0012127, OMIM 608807.
TTN-related disorder. Also called: TTN-related disorders; TTN-related condition; TTN-related disease.
Myopathy, myofibrillar, 9, with early respiratory failure (MFM9). Also called: MYOPATHY, PROXIMAL, WITH EARLY RESPIRATORY MUSCLE INVOLVEMENT; Hereditary myopathy with early respiratory failure; Myopathy, distal, with early respiratory failure, autosomal dominant; EDSTROM MYOPATHY. Identifiers: Orphanet 178464, Orphanet 34521, MedGen C1863599, MONDO:0011362, OMIM 603689.

Allele frequency attached by ClinVar (database versions not stated): gnomAD 0.00001; gnomAD exomes 0.00001; TOPMed 0.00001.
gnomAD v4.1: 15 of 1,613,406 alleles (0.00093%); highest among the groups gnomAD compares: Middle Eastern, 0.066%; no homozygotes.

Submissions (9):

PreventionGenetics, part of Exact Sciences
Classification: Likely benign for TTN-related condition. Last evaluated: 2026-01-22. Review status: criteria provided, single submitter. Criteria: ACMG Guidelines, 2015. Collection method: clinical testing. Allele origin: germline.
Comment: This variant is classified as likely benign based on ACMG/AMP sequence variant interpretation guidelines (Richards et al. 2015 PMID: 25741868, with internal and published modifications).

Labcorp Genetics (formerly Invitae), Labcorp
Classification: Likely benign for Dilated cardiomyopathy 1G; Autosomal recessive limb-girdle muscular dystrophy type 2J. Last evaluated: 2025-05-21. Review status: criteria provided, single submitter. Criteria: Invitae Variant Classification Sherloc (09022015). Collection method: clinical testing. Allele origin: germline.

Blueprint Genetics
Classification: Likely benign. Last evaluated: 2024-10-15. Review status: criteria provided, single submitter. Criteria: ACMG Guidelines, 2015. Collection method: clinical testing. Allele origin: germline.

Ambry Genetics
Classification: Likely benign for Cardiovascular phenotype. Last evaluated: 2019-06-17. Review status: criteria provided, single submitter. Criteria: Ambry Variant Classification Scheme 2023. Collection method: clinical testing. Allele origin: germline.

Illumina Laboratory Services, Illumina
Classification: Uncertain significance for Early-onset myopathy with fatal cardiomyopathy. Last evaluated: 2018-01-13. Review status: criteria provided, single submitter. Criteria: ICSL Variant Classification Criteria 13 December 2019. Collection method: clinical testing. Allele origin: germline.

Illumina Laboratory Services, Illumina
Classification: Uncertain significance for Dilated cardiomyopathy 1G. Last evaluated: 2018-01-13. Review status: criteria provided, single submitter. Criteria: ICSL Variant Classification Criteria 13 December 2019. Collection method: clinical testing. Allele origin: germline.

Illumina Laboratory Services, Illumina
Classification: Uncertain significance for Autosomal recessive limb-girdle muscular dystrophy type 2J. Last evaluated: 2018-01-13. Review status: criteria provided, single submitter. Criteria: ICSL Variant Classification Criteria 13 December 2019. Collection method: clinical testing. Allele origin: germline.

Illumina Laboratory Services, Illumina
Classification: Uncertain significance for Tibial muscular dystrophy. Last evaluated: 2018-01-13. Review status: criteria provided, single submitter. Criteria: ICSL Variant Classification Criteria 13 December 2019. Collection method: clinical testing. Allele origin: germline.

Illumina Laboratory Services, Illumina
Classification: Uncertain significance for Myopathy, myofibrillar, 9, with early respiratory failure. Last evaluated: 2018-01-13. Review status: criteria provided, single submitter. Criteria: ICSL Variant Classification Criteria 13 December 2019. Collection method: clinical testing. Allele origin: germline.

NM_001267550.2(TTN):c.75378T>A (p.Gly25126=)

Genes: TTN-AS1 (TTN antisense RNA 1; plus strand), TTN (titin; minus strand). Cytogenetic location: 2q31.2.
Variant type: single nucleotide variant.
Coding change: c.75378T>A on transcript NM_001267550.2 (MANE Select); coding-DNA position 75378, T replaced by A.
Protein change: p.Gly25126=; no amino-acid change (glycine 25126 retained).
Molecular consequence: synonymous variant.
Genome position (GRCh38, 1-based): chr2:178,570,754, A>T on the plus strand (T>A on the coding strand, the complement: TTN is on the minus strand). VCF-style: chr2-178570754-A-T. GRCh37 (hg19) VCF-style: chr2-179435481-A-T.
Other names: c.70455T>A, p.Gly23485= (NM_001256850.1); c.48183T>A, p.Gly16061= (NM_003319.4); c.67674T>A, p.Gly22558= (NM_133378.4); c.48558T>A, p.Gly16186= (NM_133432.3); c.48759T>A, p.Gly16253= (NM_133437.4).
Identifiers: ClinVar variation 332779 (VCV000332779.16), dbSNP rs886055246, ClinGen allele CA10613076.
Genomic context (GRCh38, chr2:178,570,754, plus strand): 5'-TATCCACTGAATGGTTGGTATTGGTTTGCCATAAATATCTGCATCAACCTTGAATGATTC[A>T]CCAGCATGAACCACGATTGTGTCTTTGTATTTTGGATCCATACTTATTCGTGGTGGATCT-3'
Protein context (NP_001254479.2, residues 25116-25136): KYKDTIVVHA[Gly25126=]ESFKVDADIY